The following is an entry in ClinVar:

ClinVar aggregate classification (germline): Pathogenic (1 of 4 stars; one submission).

gnomAD v4.1: 4 of 1,605,732 alleles (0.00025%); highest among the groups gnomAD compares: Non-Finnish European, 0.00034%; no homozygotes.

Submission:

Labcorp Genetics (formerly Invitae), Labcorp
Classification: Pathogenic. Last evaluated: 2025-03-16. Review status: criteria provided, single submitter. Criteria: Invitae Variant Classification Sherloc (09022015). Collection method: clinical testing. Allele origin: germline.
Comment: This sequence change creates a premature translational stop signal (p.Gln109*) in the KIAA1161 gene. While this is not anticipated to result in nonsense mediated decay, it is expected to disrupt the last 606 amino acid(s) of the KIAA1161 protein. This variant is present in population databases (rs746104060, gnomAD 0.001%). This premature translational stop signal has been observed in individual(s) with basal ganglia calcification (PMID: 32211515). This variant disrupts a region of the KIAA1161 protein in which other variant(s) (p.Ile656Thr) have been determined to be pathogenic (PMID: 30649222, 31009047, 31951047, 32211515). This suggests that this is a clinically significant region of the protein, and that variants that disrupt it are likely to be disease-causing. For these reasons, this variant has been classified as Pathogenic.

Literature cited by the submitters: PubMed 32211515; PubMed 30649222; PubMed 31009047; PubMed 31951047.

NM_020702.5(MYORG):c.325C>T (p.Gln109Ter)

Gene: MYORG (myogenesis regulating glycosidase; minus strand). Cytogenetic location: 9p13.3.
Variant type: single nucleotide variant.
Coding change: c.325C>T on transcript NM_020702.5 (MANE Select); coding-DNA position 325, C replaced by T.
Protein change: p.Gln109Ter; replaces glutamine 109 with a stop codon.
Molecular consequence: nonsense.
Genome position (GRCh38, 1-based): chr9:34,372,619, G>A on the plus strand (C>T on the coding strand, the complement: MYORG is on the minus strand). VCF-style: chr9-34372619-G-A. GRCh37 (hg19) VCF-style: chr9-34372617-G-A.
Other names: short protein forms Q109*.
Identifiers: ClinVar variation 4695072 (VCV004695072.1).